The following is an entry in ClinVar:

ClinVar aggregate classification (germline): Uncertain significance (1 of 4 stars; one submission).

Submission:

Labcorp Genetics (formerly Invitae), Labcorp
Classification: Uncertain significance. Last evaluated: 2024-11-16. Review status: criteria provided, single submitter. Criteria: Invitae Variant Classification Sherloc (09022015). Collection method: clinical testing. Allele origin: germline.
Comment: The FMN1 gene has multiple clinically relevant transcripts. This variant occurs in alternate transcript NM_001277314.1, and corresponds to NM_001103184.3:c.-86429C>T in the primary transcript. This sequence change replaces serine, which is neutral and polar, with phenylalanine, which is neutral and non-polar, at codon 201 of the FMN1 protein (p.Ser201Phe). This variant is present in population databases (no rsID available, gnomAD 0.03%). This variant has not been reported in the literature in individuals affected with FMN1-related conditions. Experimental studies and prediction algorithms are not available or were not evaluated, and the functional significance of this variant is currently unknown. In summary, the available evidence is currently insufficient to determine the role of this variant in disease. Therefore, it has been classified as a Variant of Uncertain Significance.

NM_001277313.2(FMN1):c.602C>T (p.Ser201Phe)

Gene: FMN1 (formin 1; minus strand). Cytogenetic location: 15q13.3.
Variant type: single nucleotide variant.
Coding change: c.602C>T on transcript NM_001277313.2 (MANE Select); coding-DNA position 602, C replaced by T.
Protein change: p.Ser201Phe; replaces serine 201 with phenylalanine.
Molecular consequence: missense variant.
Genome position (GRCh38, 1-based): chr15:33,154,313, G>A on the plus strand (C>T on the coding strand, the complement: FMN1 is on the minus strand). VCF-style: chr15-33154313-G-A. GRCh37 (hg19) VCF-style: chr15-33446514-G-A.
Other names: c.602C>T, p.Ser201Phe (NM_001277314.2); short protein forms S201F.
Identifiers: ClinVar variation 3716693 (VCV003716693.2).